The following is an entry in ClinVar:

NM_138694.4(PKHD1):c.8289del (p.Leu2764fs)

Gene: PKHD1 (PKHD1 ciliary IPT domain containing fibrocystin/polyductin; minus strand). Cytogenetic location: 6p12.2.
Variant type: Deletion.
Coding change: c.8289del on transcript NM_138694.4 (MANE Select); coding-DNA position 8289, one base deleted (T; older notation c.8289delT).
Protein change: p.Leu2764fs; shifts the reading frame from leucine 2764.
Molecular consequence: frameshift variant.
Genome position (GRCh38, 1-based): chr6:51,830,874, A deleted on the plus strand (T on the coding strand, the reverse complement: PKHD1 is on the minus strand); the first of 2 consecutive A bases (chr6:51,830,874-51,830,875); deleting either gives the same sequence. VCF-style (leftmost placement, unchanged base first): chr6-51830873-GA-G. GRCh37 (hg19) VCF-style: chr6-51695671-GA-G.
Other names: c.8289del, p.Leu2764fs (NM_170724.3); short protein forms L2764fs.
Identifiers: ClinVar variation 955339 (VCV000955339.8), dbSNP rs1768123584, ClinGen allele CA1139659590.

ClinVar aggregate classification (germline): Pathogenic (1 of 4 stars; one submission).

Conditions:
Autosomal recessive polycystic kidney disease (ARPKD). Also called: AR polycystic kidney disease. Identifiers: Orphanet 731, Orphanet 8378, MedGen C0085548, MeSH D017044, MONDO:0009889.

Submission:

Labcorp Genetics (formerly Invitae), Labcorp
Classification: Pathogenic for Autosomal recessive polycystic kidney disease. Last evaluated: 2019-08-21. Review status: criteria provided, single submitter. Criteria: Invitae Variant Classification Sherloc (09022015). Collection method: clinical testing. Allele origin: germline.
Comment: For these reasons, this variant has been classified as Pathogenic. Loss-of-function variants in PKHD1 are known to be pathogenic (PMID: 19940839). This variant has not been reported in the literature in individuals with PKHD1-related conditions. This variant is not present in population databases (ExAC no frequency). This sequence change creates a premature translational stop signal (p.Leu2764Serfs*22) in the PKHD1 gene. It is expected to result in an absent or disrupted protein product.

Literature cited by the submitters: PubMed 19940839.